The following is an entry in ClinVar:

ClinVar aggregate classification (germline): Uncertain significance (1 of 4 stars; one submission).

Conditions:
Fabry disease. Also called: Fabry's disease; ALPHA-GALACTOSIDASE A DEFICIENCY; ANDERSON-FABRY DISEASE; CERAMIDE TRIHEXOSIDASE DEFICIENCY; GLA DEFICIENCY; HEREDITARY DYSTOPIC LIPIDOSIS. Identifiers: Orphanet 324, MedGen C0002986, MONDO:0010526, OMIM 301500, HP:0001071. Disease mechanism: Fabry disease is due to inactivating mutations in the X-linked GLA gene resulting in deficiency of the enzyme Alpha Galactosidase-A., loss of function.

Submission:

Labcorp Genetics (formerly Invitae), Labcorp
Classification: Uncertain significance for Fabry disease. Last evaluated: 2024-08-22. Review status: criteria provided, single submitter. Criteria: Invitae Variant Classification Sherloc (09022015). Collection method: clinical testing. Allele origin: germline.
Comment: This sequence change replaces alanine, which is neutral and non-polar, with serine, which is neutral and polar, at codon 352 of the GLA protein (p.Ala352Ser). This variant is not present in population databases (gnomAD no frequency). This variant has not been reported in the literature in individuals affected with GLA-related conditions. Invitae Evidence Modeling of protein sequence and biophysical properties (such as structural, functional, and spatial information, amino acid conservation, physicochemical variation, residue mobility, and thermodynamic stability) indicates that this missense variant is not expected to disrupt GLA protein function with a negative predictive value of 80%. This variant disrupts the p.Ala352 amino acid residue in GLA. Other variant(s) that disrupt this residue have been determined to be pathogenic (PMID: 32789421). This suggests that this residue is clinically significant, and that variants that disrupt this residue are likely to be disease-causing. In summary, the available evidence is currently insufficient to determine the role of this variant in disease. Therefore, it has been classified as a Variant of Uncertain Significance.

Literature cited by the submitters: PubMed 32789421.

NM_000169.3(GLA):c.1054G>T (p.Ala352Ser)

Genes: GLA (galactosidase alpha; minus strand), RPL36A-HNRNPH2 (RPL36A-HNRNPH2 readthrough; plus strand). Cytogenetic location: Xq22.1.
Variant type: single nucleotide variant.
Coding change: c.1054G>T on transcript NM_000169.3 (MANE Select); coding-DNA position 1054, G replaced by T.
Protein change: p.Ala352Ser; replaces alanine 352 with serine.
Molecular consequence: missense variant. On other transcripts: non-coding transcript variant (3), intron variant (2).
Genome position (GRCh38, 1-based): chrX:101,398,045, C>A on the plus strand (G>T on the coding strand, the complement: GLA is on the minus strand). VCF-style: chrX-101398045-C-A. GRCh37 (hg19) VCF-style: chrX-100653033-C-A.
Other names: c.1177G>T, p.Ala393Ser (NM_001406747.1); c.300+2588C>A (NM_001199973.2); c.177+6223C>A (NM_001199974.2); short protein forms A352S, A393S.
Identifiers: ClinVar variation 3699294 (VCV003699294.2).
Genomic context (GRCh38, chrX:101,398,045, plus strand): 5'-GGGAAGCAACTGCGATGGTATAAGAGCGAGGTCCACCAATCTCCTGCCGGTTTATCATAG[C>A]TACAGCCCAGGCTAAGCCTGAGAGAGGTCGTTCCCACACTTCAAAGTTGTCTCCCTGAAA-3'
Protein context (NP_000160.1, residues 342-362): RPLSGLAWAV[Ala352Ser]MINRQEIGGP